The following is an entry in ClinVar:

NM_001277062.2(MFF):c.-40-291G>A

Gene: MFF (mitochondrial fission factor; plus strand). Cytogenetic location: 2q36.3.
Variant type: single nucleotide variant.
Coding change: c.-40-291G>A on transcript NM_001277062.2 (MANE Select); 291 bases into the intron before 40 bases upstream of the start codon, G replaced by A.
Molecular consequence: intron variant.
Genome position (GRCh38, 1-based): chr2:227,330,335, G>A. VCF-style: chr2-227330335-G-A. GRCh37 (hg19) VCF-style: chr2-228195051-G-A.
Other names: c.39-291G>A (NM_001277061.2, NM_020194.5); c.-40-291G>A (NM_001277063.2, NM_001277064.2, NM_001277065.2 and 2 more transcripts); c.-35-446G>A (NM_001277067.1).
Identifiers: ClinVar variation 672867 (VCV000672867.1), dbSNP rs112522494, ClinGen allele CA66639059.

ClinVar aggregate classification (germline): Benign (1 of 4 stars; one submission).

Allele frequency attached by ClinVar (database versions not stated): 1000 Genomes Project 0.02716; gnomAD 0.02773 and 0.02978; TOPMed 0.02990.
gnomAD v4.1: 4,546 of 267,554 alleles (1.7%); highest among the groups gnomAD compares: African/African-American, 9.8%; 213 homozygotes.

Submission:

GeneDx
Classification: Benign. Last evaluated: 2018-06-14. Review status: criteria provided, single submitter. Criteria: GeneDx Variant Classification (06012015). Collection method: clinical testing. Allele origin: germline. Affected: yes.
Comment: This variant is considered likely benign or benign based on one or more of the following criteria: it is a conservative change, it occurs at a poorly conserved position in the protein, it is predicted to be benign by multiple in silico algorithms, and/or has population frequency not consistent with disease.